The following is an entry in ClinVar:

ClinVar aggregate classification (germline): Conflicting classifications of pathogenicity. Review status: criteria provided, conflicting classifications (1 of 4 stars). 3 submissions from 3 submitters: Uncertain significance (1); Likely benign (2). Last evaluated 2025-06-30.

Conditions:
Familial thoracic aortic aneurysm and aortic dissection (TAAD). Also called: Thoracic aortic aneurysms and dissections. Identifiers: Orphanet 91387, MedGen C4707243, MONDO:0019625.
Aortic aneurysm, familial thoracic 4 (AAT4). Also called: AORTIC ANEURYSM/AORTIC DISSECTION AND PATENT DUCTUS ARTERIOSUS. Identifiers: MedGen C1851504, MONDO:0007568, OMIM 132900.

Allele frequency attached by ClinVar (database versions not stated): gnomAD 0.00001.
gnomAD v4.1: 32 of 1,612,544 alleles (0.002%); highest among the groups gnomAD compares: Non-Finnish European, 0.0027%; no homozygotes.

Submissions (3):

Color Diagnostics, LLC DBA Color Health
Classification: Likely benign for Familial thoracic aortic aneurysm and aortic dissection. Last evaluated: 2025-06-30. Review status: criteria provided, single submitter. Criteria: ACMG Guidelines, 2015. Collection method: clinical testing. Allele origin: germline.

Labcorp Genetics (formerly Invitae), Labcorp
Classification: Likely benign for Aortic aneurysm, familial thoracic 4. Last evaluated: 2025-03-16. Review status: criteria provided, single submitter. Criteria: Invitae Variant Classification Sherloc (09022015). Collection method: clinical testing. Allele origin: germline.

All of Us Research Program, National Institutes of Health
Classification: Uncertain significance for Familial thoracic aortic aneurysm and aortic dissection. Last evaluated: 2023-11-30. Review status: criteria provided, single submitter. Criteria: ACMG Guidelines, 2015. Collection method: clinical testing. Allele origin: germline. Inheritance: Autosomal dominant inheritance. Observed: 2 variant alleles, 2 heterozygotes.
Comment: This variant causes a C to G nucleotide substitution at the -10 position of intron 34 of the MYH11 gene. Splice prediction tools and conservation analysis are inconclusive regarding the impact of this variant on RNA splicing. To our knowledge, functional studies have not been reported for this variant. This variant has not been reported in individuals affected with MYH11-related disorders in the literature. This variant has been identified in 2/278888 chromosomes in the general population by the Genome Aggregation Database (gnomAD). The available evidence is insufficient to determine the role of this variant in disease conclusively. Therefore, this variant is classified as a Variant of Uncertain Significance.

This study involves interpretation of variants in research participants for the purpose of population health screening. Participant phenotype was not available at the time of variant classification. Additional details can be found in publication PMID: 35346344, PMCID: PMC8962531

NM_002474.3(MYH11):c.4792-10C>G

Genes: MYH11 (myosin heavy chain 11; minus strand), NDE1 (nudE neurodevelopment protein 1; plus strand). Cytogenetic location: 16p13.11.
Variant type: single nucleotide variant.
Coding change: c.4792-10C>G on transcript NM_002474.3 (MANE Select); 10 bases into the intron before coding-DNA position 4792, C replaced by G.
Molecular consequence: intron variant.
Genome position (GRCh38, 1-based): chr16:15,720,322, G>C on the plus strand (C>G on the coding strand, the complement: MYH11 is on the minus strand). VCF-style: chr16-15720322-G-C. GRCh37 (hg19) VCF-style: chr16-15814179-G-C.
Other names: c.948-3869G>C (NM_001143979.2, NM_017668.3); c.4792-10C>G (NM_022844.3); c.4813-10C>G (NM_001040114.2, NM_001040113.2).
Identifiers: ClinVar variation 3069487 (VCV003069487.2), dbSNP rs1432532960, ClinGen allele CA621064682.